The following is an entry in ClinVar:

ClinVar aggregate classification (germline): Pathogenic (1 of 4 stars; one submission).

Conditions:
Gorlin syndrome. Also called: Nevoid Basal Cell Carcinoma Syndrome; Basal cell nevus syndrome. Identifiers: Orphanet 377, MedGen C0004779, MONDO:0007187.

Submission:

Labcorp Genetics (formerly Invitae), Labcorp
Classification: Pathogenic for Gorlin syndrome. Last evaluated: 2022-11-09. Review status: criteria provided, single submitter. Criteria: Invitae Variant Classification Sherloc (09022015). Collection method: clinical testing. Allele origin: germline.
Comment: This variant is not present in population databases (gnomAD no frequency). This sequence change creates a premature translational stop signal (p.Trp256*) in the PTCH1 gene. It is expected to result in an absent or disrupted protein product. Loss-of-function variants in PTCH1 are known to be pathogenic (PMID: 16301862, 16419085). For these reasons, this variant has been classified as Pathogenic. ClinVar contains an entry for this variant (Variation ID: 524563). This premature translational stop signal has been observed in individual(s) with clinical features of Gorlin syndrome (Invitae).

Literature cited by the submitters: PubMed 16301862; PubMed 16419085.

NM_000264.5(PTCH1):c.767G>A (p.Trp256Ter)

Gene: PTCH1 (patched 1; minus strand). Cytogenetic location: 9q22.32.
Variant type: single nucleotide variant.
Coding change: c.767G>A on transcript NM_000264.5 (MANE Select); coding-DNA position 767, G replaced by A.
Protein change: p.Trp256Ter; replaces tryptophan 256 with a stop codon.
Molecular consequence: nonsense. On other transcripts: non-coding transcript variant (1).
Genome position (GRCh38, 1-based): chr9:95,480,568, C>T on the plus strand (G>A on the coding strand, the complement: PTCH1 is on the minus strand). VCF-style: chr9-95480568-C-T. GRCh37 (hg19) VCF-style: chr9-98242850-C-T.
Other names: c.569G>A, p.Trp190Ter (NM_001083602.3); c.764G>A, p.Trp255Ter (NM_001083603.3); c.314G>A, p.Trp105Ter (NM_001083604.3, NM_001083605.3, NM_001083606.3 and 1 more transcripts); c.767G>A, p.Trp256Ter (NM_001354918.2); short protein forms W190*, W256*, W255*, W105*.
Identifiers: ClinVar variation 524563 (VCV000524563.9), dbSNP rs1554700010, ClinGen allele CA374114539.
Genomic context (GRCh38, chr9:95,480,568, plus strand): 5'-TCCACTTGATAGTTTATTTTCTTTAACTCTTCCAGGAATTCCAAAGGGTCGAAGTTTGTC[C>T]ACCGCAAAGGAGGTTTACCTCTGCAAAAGAAATTAGGAGACGAGACCATGAAAAGAGCCT-3'